The following is an entry in ClinVar:

NM_032043.3(BRIP1):c.2905+4T>A

Gene: BRIP1 (BRCA1 interacting DNA helicase 1; minus strand). Cytogenetic location: 17q23.2.
Variant type: single nucleotide variant.
Coding change: c.2905+4T>A on transcript NM_032043.3 (MANE Select); 4 bases into the intron after coding-DNA position 2905, T replaced by A.
Molecular consequence: intron variant.
Genome position (GRCh38, 1-based): chr17:61,685,832, A>T on the plus strand (T>A on the coding strand, the complement: BRIP1 is on the minus strand). VCF-style: chr17-61685832-A-T. GRCh37 (hg19) VCF-style: chr17-59763193-A-T.
Identifiers: ClinVar variation 461131 (VCV000461131.14), dbSNP rs373835270, ClinGen allele CA400481074.

ClinVar aggregate classification (germline): Conflicting classifications of pathogenicity. Review status: criteria provided, conflicting classifications (1 of 4 stars). 3 submissions from 3 submitters: Uncertain significance (2); Likely benign (1). Last evaluated 2024-10-20.

Conditions:
Hereditary cancer-predisposing syndrome. Also called: Hereditary neoplastic syndrome; Neoplastic Syndromes, Hereditary; Tumor predisposition; Hereditary Cancer Syndrome. Identifiers: Orphanet 140162, MedGen C0027672, MeSH D009386, MONDO:0015356.
Fanconi anemia complementation group J. Also called: BRIP1-Related Fanconi Anemia. Identifiers: Orphanet 84, MedGen C1836860, MONDO:0012187, OMIM 609054.
Familial cancer of breast. Also called: BREAST CANCER, FAMILIAL; hereditary breast carcinoma; Hereditary breast cancer. Identifiers: Orphanet 227535, MedGen C0346153, MONDO:0016419, OMIM 114480. Disease mechanism: loss of function.

Submissions (3):

Labcorp Genetics (formerly Invitae), Labcorp
Classification: Uncertain significance for Familial cancer of breast; Fanconi anemia complementation group J. Last evaluated: 2024-10-20. Review status: criteria provided, single submitter. Criteria: Invitae Variant Classification Sherloc (09022015). Collection method: clinical testing. Allele origin: germline.
Comment: This sequence change falls in intron 19 of the BRIP1 gene. It does not directly change the encoded amino acid sequence of the BRIP1 protein. It affects a nucleotide within the consensus splice site. This variant is not present in population databases (gnomAD no frequency). This variant has not been reported in the literature in individuals affected with BRIP1-related conditions. ClinVar contains an entry for this variant (Variation ID: 461131). Variants that disrupt the consensus splice site are a relatively common cause of aberrant splicing (PMID: 17576681, 9536098). Algorithms developed to predict the effect of sequence changes on RNA splicing suggest that this variant is not likely to affect RNA splicing. In summary, the available evidence is currently insufficient to determine the role of this variant in disease. Therefore, it has been classified as a Variant of Uncertain Significance.

Myriad Genetics, Inc.
Classification: Likely benign for Familial cancer of breast. Last evaluated: 2023-12-19. Review status: criteria provided, single submitter. Criteria: Myriad Autosomal Dominant, Autosomal Recessive and X-Linked Classification Criteria (2023). Collection method: clinical testing. Allele origin: unknown.
Comment: This variant is considered likely benign. This variant is intronic and is not expected to impact mRNA splicing.

Ambry Genetics
Classification: Uncertain significance for Hereditary cancer-predisposing syndrome. Last evaluated: 2020-10-29. Review status: criteria provided, single submitter. Criteria: Ambry Variant Classification Scheme 2023. Collection method: clinical testing. Allele origin: germline.
Comment: The c.2905+4T>A intronic variant results from a T to A substitution 4 nucleotides after coding exon 18 in the BRIP1 gene. This nucleotide position is well conserved in available vertebrate species. In silico splice site analysis predicts that this alteration will not have any significant effect on splicing. Since supporting evidence is limited at this time, the clinical significance of this alteration remains unclear.

Literature cited by the submitters: PubMed 17576681 (cited by Labcorp Genetics (formerly Invitae), Labcorp); PubMed 9536098 (cited by Labcorp Genetics (formerly Invitae), Labcorp).